The following is an entry in ClinVar:

ClinVar aggregate classification (germline): Pathogenic (1 of 4 stars; one submission).

Submission:

Labcorp Genetics (formerly Invitae), Labcorp
Classification: Pathogenic. Last evaluated: 2024-04-03. Review status: criteria provided, single submitter. Criteria: Invitae Variant Classification Sherloc (09022015). Collection method: clinical testing. Allele origin: germline.
Comment: This sequence change creates a premature translational stop signal (p.Gln193*) in the CREB3L3 gene. It is expected to result in an absent or disrupted protein product. Loss-of-function variants in CREB3L3 are known to be pathogenic (PMID: 21666694, 26427795). This variant is not present in population databases (gnomAD no frequency). This variant has not been reported in the literature in individuals affected with CREB3L3-related conditions. For these reasons, this variant has been classified as Pathogenic.

Literature cited by the submitters: PubMed 21666694; PubMed 26427795.

NM_032607.3(CREB3L3):c.577C>T (p.Gln193Ter)

Gene: CREB3L3 (cAMP responsive element binding protein 3 like 3; plus strand). Cytogenetic location: 19p13.3.
Variant type: single nucleotide variant.
Coding change: c.577C>T on transcript NM_032607.3 (MANE Select); coding-DNA position 577, C replaced by T.
Protein change: p.Gln193Ter; replaces glutamine 193 with a stop codon.
Molecular consequence: nonsense. On other transcripts: intron variant (1).
Genome position (GRCh38, 1-based): chr19:4,164,503, C>T. VCF-style: chr19-4164503-C-T. GRCh37 (hg19) VCF-style: chr19-4164500-C-T.
Other names: c.577-6C>T (NM_001271996.2); c.574C>T, p.Gln192Ter (NM_001271995.2); c.577C>T, p.Gln193Ter (NM_001271997.2); short protein forms Q192*, Q193*.
Identifiers: ClinVar variation 3671283 (VCV003671283.2).